The following is an entry in ClinVar:

ClinVar aggregate classification (germline): Benign/Likely benign. Review status: criteria provided, multiple submitters, no conflicts (2 of 4 stars). 4 submissions from 4 submitters: Benign (1); Likely benign (3). Last evaluated 2025-11-24.

Conditions:
PNPLA8-related disorder. Also called: PNPLA8-related condition.
Inborn genetic diseases. Identifiers: MedGen C0950123, MeSH D030342.

Allele frequency attached by ClinVar (database versions not stated): gnomAD 0.00001 and 0.00024; TOPMed 0.00005; 1000 Genomes Project 30x 0.00297; 1000 Genomes Project 0.00300.
gnomAD v4.1: 637 of 1,603,198 alleles (0.04%); highest among the groups gnomAD compares: South Asian, 0.67%; 6 homozygotes.

Submissions (4):

PreventionGenetics, part of Exact Sciences
Classification: Benign for PNPLA8-related condition. Last evaluated: 2025-11-24. Review status: criteria provided, single submitter. Criteria: ACMG Guidelines, 2015. Collection method: clinical testing. Allele origin: germline.
Comment: This variant is classified as benign based on ACMG/AMP sequence variant interpretation guidelines (Richards et al. 2015 PMID: 25741868, with internal and published modifications).

Labcorp Genetics (formerly Invitae), Labcorp
Classification: Likely benign. Last evaluated: 2025-07-06. Review status: criteria provided, single submitter. Criteria: Invitae Variant Classification Sherloc (09022015). Collection method: clinical testing. Allele origin: germline.

Ambry Genetics
Classification: Likely benign for Inborn genetic diseases. Last evaluated: 2022-07-27. Review status: criteria provided, single submitter. Criteria: Ambry Variant Classification Scheme 2023. Collection method: clinical testing. Allele origin: germline.

Breakthrough Genomics
Classification: Likely benign. Review status: criteria provided, single submitter. Criteria: ACMG Guidelines, 2015. Collection method: not provided. Allele origin: germline. Inheritance: Autosomal recessive inheritance. Affected: yes.

NM_001256007.3(PNPLA8):c.1049G>A (p.Arg350Gln)

Gene: PNPLA8 (patatin like domain 8, phospholipase A2; minus strand). Cytogenetic location: 7q31.1.
Variant type: single nucleotide variant.
Coding change: c.1049G>A on transcript NM_001256007.3 (MANE Select); coding-DNA position 1049, G replaced by A.
Protein change: p.Arg350Gln; replaces arginine 350 with glutamine.
Molecular consequence: missense variant.
Genome position (GRCh38, 1-based): chr7:108,514,443, C>T on the plus strand (G>A on the coding strand, the complement: PNPLA8 is on the minus strand). VCF-style: chr7-108514443-C-T. GRCh37 (hg19) VCF-style: chr7-108154887-C-T.
Other names: c.1049G>A, p.Arg350Gln (NM_001256008.3, NM_001256009.3, NM_015723.5); c.749G>A, p.Arg250Gln (NM_001256010.3, NM_001256011.3); c.1049G>A (NM_015723.2); short protein forms R350Q, R250Q.
Identifiers: ClinVar variation 749538 (VCV000749538.13), dbSNP rs539943926, ClinGen allele CA4439702.